The following is an entry in ClinVar:

ClinVar aggregate classification (germline): Uncertain significance (1 of 4 stars; one submission).

Conditions:
Dilated cardiomyopathy 1G (CMD1G). Identifiers: Orphanet 154, MedGen C1858763, MONDO:0011400, OMIM 604145.
Autosomal recessive limb-girdle muscular dystrophy type 2J (LGMDR10). Also called: Limb-girdle muscular dystrophy, type 2J; MUSCULAR DYSTROPHY, LIMB-GIRDLE, AUTOSOMAL RECESSIVE 10. Identifiers: Orphanet 140922, MedGen C1837342, MONDO:0012127, OMIM 608807.

gnomAD v4.1: 1 of 1,612,900 alleles (0.000062%); highest among the groups gnomAD compares: Admixed American, 0.0017%; no homozygotes.

Submission:

Labcorp Genetics (formerly Invitae), Labcorp
Classification: Uncertain significance for Dilated cardiomyopathy 1G; Autosomal recessive limb-girdle muscular dystrophy type 2J. Last evaluated: 2022-08-15. Review status: criteria provided, single submitter. Criteria: Invitae Variant Classification Sherloc (09022015). Collection method: clinical testing. Allele origin: germline.
Comment: In summary, the available evidence is currently insufficient to determine the role of this variant in disease. Therefore, it has been classified as a Variant of Uncertain Significance. This variant is located in the A band of TTN (PMID: 25589632). Variants in this region may be relevant for cardiac or neuromuscular disorders (PMID: 25589632, 23975875). Variants that disrupt the consensus splice site are a relatively common cause of aberrant splicing (PMID: 17576681, 9536098). Algorithms developed to predict the effect of sequence changes on RNA splicing suggest that this variant may disrupt the consensus splice site. This variant has not been reported in the literature in individuals affected with TTN-related conditions. This variant is present in population databases (no rsID available, gnomAD 0.1%). This sequence change falls in intron 299 of the TTN gene. It does not directly change the encoded amino acid sequence of the TTN protein. It affects a nucleotide within the consensus splice site.

Literature cited by the submitters: PubMed 25589632; PubMed 23975875; PubMed 17576681; PubMed 9536098.

NM_001267550.2(TTN):c.59035+3A>G

Genes: TTN (titin; minus strand), TTN-AS1 (TTN antisense RNA 1; plus strand). Cytogenetic location: 2q31.2.
Variant type: single nucleotide variant.
Coding change: c.59035+3A>G on transcript NM_001267550.2 (MANE Select); 3 bases into the intron after coding-DNA position 59035, A replaced by G.
Molecular consequence: intron variant.
Genome position (GRCh38, 1-based): chr2:178,593,170, T>C on the plus strand (A>G on the coding strand, the complement: TTN is on the minus strand). VCF-style: chr2-178593170-T-C. GRCh37 (hg19) VCF-style: chr2-179457897-T-C.
Other names: c.31840+3A>G (NM_003319.4); c.32416+3A>G (NM_133437.4); c.32215+3A>G (NM_133432.3); c.51331+3A>G (NM_133378.4); c.54112+3A>G (NM_001256850.1).
Identifiers: ClinVar variation 1935192 (VCV001935192.5), dbSNP rs1212412005, ClinGen allele CA538435606.